The following is an entry in ClinVar:

ClinVar aggregate classification (germline): Likely benign (0 of 4 stars; one submission).

Conditions:
IL23R-related disorder. Also called: IL23R-related condition.

Submission:

PreventionGenetics, part of Exact Sciences
Classification: Likely benign for IL23R-related condition. Last evaluated: 2023-04-21. Review status: no assertion criteria provided. Collection method: clinical testing. Allele origin: germline.
Comment: This variant is classified as likely benign based on ACMG/AMP sequence variant interpretation guidelines (Richards et al. 2015 PMID: 25741868, with internal and published modifications).

NM_144701.3(IL23R):c.653-7_653-5del

Gene: IL23R (interleukin 23 receptor; plus strand). Cytogenetic location: 1p31.3.
Variant type: Deletion.
Coding change: c.653-7_653-5del on transcript NM_144701.3 (MANE Select); 7 bases into the intron before coding-DNA position 653 through 5 bases into the intron before coding-DNA position 653, 3 bases deleted (TTT; older notation c.653-7_653-5delTTT).
Molecular consequence: intron variant.
Genome position (GRCh38, 1-based): chr1:67,206,903-67,206,905, TTT deleted; deleting any 3 consecutive bases within chr1:67,206,885-67,206,905 gives the same sequence; the c. name uses the placement nearest the transcript's 3' end. VCF-style (leftmost placement, unchanged base first): chr1-67206884-CTTT-C. GRCh37 (hg19) VCF-style: chr1-67672567-CTTT-C.
Identifiers: ClinVar variation 3043762 (VCV003043762.2), dbSNP rs557919248, ClinGen allele CA899783.